The following is an entry in ClinVar:

ClinVar aggregate classification (germline): Uncertain significance (1 of 4 stars; one submission).

gnomAD v4.1: 1 of 1,613,342 alleles (0.000062%); highest among the groups gnomAD compares: African/African-American, 0.0013%; no homozygotes.

Submission:

GeneDx
Classification: Uncertain significance. Last evaluated: 2024-09-27. Review status: criteria provided, single submitter. Criteria: GeneDx Variant Classification Process June 2021. Collection method: clinical testing. Allele origin: germline. Affected: yes.
Comment: Not observed at significant frequency in large population cohorts (gnomAD); In silico analysis supports that this missense variant has a deleterious effect on protein structure/function; Has not been previously published as pathogenic or benign to our knowledge; Variants in candidate genes are classified as variants of uncertain significance in accordance with ACMG guidelines (PMID: 25741868)

NM_033026.6(PCLO):c.4076G>T (p.Gly1359Val)

Gene: PCLO (piccolo presynaptic cytomatrix protein; minus strand). Cytogenetic location: 7q21.11.
Variant type: single nucleotide variant.
Coding change: c.4076G>T on transcript NM_033026.6 (MANE Select); coding-DNA position 4076, G replaced by T.
Protein change: p.Gly1359Val; replaces glycine 1359 with valine.
Molecular consequence: missense variant.
Genome position (GRCh38, 1-based): chr7:82,956,877, C>A on the plus strand (G>T on the coding strand, the complement: PCLO is on the minus strand). VCF-style: chr7-82956877-C-A. GRCh37 (hg19) VCF-style: chr7-82586193-C-A.
Other names: c.4076G>T, p.Gly1359Val (NM_014510.3); short protein forms G1359V.
Identifiers: ClinVar variation 3903282 (VCV003903282.1).